The following is an entry in ClinVar:

ClinVar aggregate classification (germline): Uncertain significance. Review status: criteria provided, multiple submitters, no conflicts (2 of 4 stars). 6 submissions from 6 submitters: Uncertain significance (5). 1 of the submissions does not count toward it. Last evaluated 2026-06-12.

Conditions:
Niemann-Pick disease, type C1. Also called: NIEMANN-PICK DISEASE, VARIANT TYPE C1; NEUROVISCERAL STORAGE DISEASE WITH VERTICAL SUPRANUCLEAR OPHTHALMOPLEGIA; NIEMANN-PICK DISEASE WITH CHOLESTEROL ESTERIFICATION BLOCK; NIEMANN-PICK DISEASE WITHOUT SPHINGOMYELINASE DEFICIENCY; NIEMANN-PICK DISEASE, CHRONIC NEURONOPATHIC FORM. Identifiers: Orphanet 646, MedGen C3179455, MONDO:0009757, OMIM 257220.

Allele frequency attached by ClinVar (database versions not stated): ESP Exome Variant Server 0.00008; ExAC 0.00003; gnomAD 0.00003 and 0.00004; TOPMed 0.00003.

Submissions (6):

Women's Health and Genetics/Laboratory Corporation of America, LabCorp
Classification: Uncertain significance. Last evaluated: 2026-06-12. Review status: criteria provided, single submitter. Criteria: LabCorp Variant Classification Summary - May 2015. Collection method: clinical testing. Allele origin: germline.
Comment: Variant summary: NPC1 c.3059G>C (p.Ser1020Thr) results in a conservative amino acid change in the encoded protein sequence. Algorithms developed to predict the effect of missense changes on protein structure and function are either unavailable or do not agree on the potential impact of this missense change. The variant allele was found at a frequency of 1.6e-05 in 251312 control chromosomes. The available data on variant occurrences in the general population are insufficient to allow any conclusion about variant significance. To our knowledge, no occurrence of c.3059G>C in individuals affected with NPC1-related conditions and no experimental evidence demonstrating its impact on protein function have been reported. ClinVar contains an entry for this variant (Variation ID: 452564). Based on the evidence outlined above, the variant was classified as uncertain significance.

Labcorp Genetics (formerly Invitae), Labcorp
Classification: Uncertain significance for Niemann-Pick disease, type C1. Last evaluated: 2022-09-01. Review status: criteria provided, single submitter. Criteria: Invitae Variant Classification Sherloc (09022015). Collection method: clinical testing. Allele origin: germline.
Comment: This sequence change replaces serine, which is neutral and polar, with threonine, which is neutral and polar, at codon 1020 of the NPC1 protein (p.Ser1020Thr). This variant is present in population databases (rs374719153, gnomAD 0.03%). This variant has not been reported in the literature in individuals affected with NPC1-related conditions. ClinVar contains an entry for this variant (Variation ID: 452564). Algorithms developed to predict the effect of missense changes on protein structure and function (SIFT, PolyPhen-2, Align-GVGD) all suggest that this variant is likely to be tolerated. In summary, the available evidence is currently insufficient to determine the role of this variant in disease. Therefore, it has been classified as a Variant of Uncertain Significance.

Greenwood Genetic Center Diagnostic Laboratories, Greenwood Genetic Center
Classification: Uncertain significance. Last evaluated: 2021-01-15. Review status: criteria provided, single submitter. Criteria: ACMG Guidelines, 2015. Collection method: clinical testing. Allele origin: germline. Affected: yes.
Comment: PM1, PM2

GeneDx
Classification: Uncertain significance. Last evaluated: 2017-10-03. Review status: criteria provided, single submitter. Criteria: GeneDx Variant Classification (06012015). Collection method: clinical testing. Allele origin: germline. Affected: yes.
Comment: The c.3059 G>C variant has not been published as a pathogenic variant, nor has it been reported as a benign variant to our knowledge. The c.3059 G>C variant is observed in 7/24,018 (0.03%) alleles from individuals of African background (Lek et al., 2016). Multiple in-silico splice prediction models predict that c.3059 G>C creates a cryptic splice acceptor site which may supplant the natural acceptor site and lead to abnormal gene splicing. However, in the absence of RNA/functional studies the actual effect of c.3059 G>C on splicing in this individual is unknown. If c.3059 G>C does not alter splicing, it will result in the S1020T missense change. The S1020T variant is a conservative amino acid substitution, which is not likely to impact secondary protein structure as these residues share similar properties. This substitution occurs at a position that is not conserved, and in silico analysis predicts this variant likely does not alter the protein structure/function.

Eurofins Ntd Llc (ga)
Classification: Uncertain significance. Last evaluated: 2016-12-15. Review status: criteria provided, single submitter. Criteria: EGL Classification Definitions 2015. Collection method: clinical testing. Allele origin: germline. Observed: 1 variant allele, 1 heterozygote.

Natera, Inc.
Classification: Uncertain significance for Niemann-Pick disease type C1. Last evaluated: 2020-01-16. Review status: no assertion criteria provided. Collection method: clinical testing. Allele origin: germline. Not counted in ClinVar's aggregate classification.

NM_000271.5(NPC1):c.3059G>C (p.Ser1020Thr)

Gene: NPC1 (NPC intracellular cholesterol transporter 1; minus strand). Cytogenetic location: 18q11.2.
Variant type: single nucleotide variant.
Coding change: c.3059G>C on transcript NM_000271.5 (MANE Select); coding-DNA position 3059, G replaced by C.
Protein change: p.Ser1020Thr; replaces serine 1020 with threonine.
Molecular consequence: missense variant.
Genome position (GRCh38, 1-based): chr18:23,536,859, C>G on the plus strand (G>C on the coding strand, the complement: NPC1 is on the minus strand). VCF-style: chr18-23536859-C-G. GRCh37 (hg19) VCF-style: chr18-21116823-C-G.
Other names: short protein forms S1020T.
Identifiers: ClinVar variation 452564 (VCV000452564.11), dbSNP rs374719153, ClinGen allele CA8912861.